The following is an entry in ClinVar:

ClinVar aggregate classification (germline): Benign. Review status: criteria provided, multiple submitters, no conflicts (2 of 4 stars). 2 submissions from 2 submitters: Benign (2). Last evaluated 2025-03-11.

Submissions (2):

Athena Diagnostics
Classification: Benign. Last evaluated: 2025-03-11. Review status: criteria provided, single submitter. Criteria: Athena Diagnostics Criteria. Collection method: clinical testing. Allele origin: unknown.
Comment: The frequency of this variant in the general population is higher than would generally be expected for pathogenic variants in this gene.

GeneDx
Classification: Benign. Last evaluated: 2014-03-31. Review status: criteria provided, single submitter. Criteria: GeneDx Variant Classification (06012015). Collection method: clinical testing. Allele origin: germline. Affected: yes.
Comment: The variant is found in MITONUC-MITOP panel(s).

NM_001371279.1(REEP1):c.-44AGCCG[3]

Gene: REEP1 (receptor accessory protein 1; minus strand). Cytogenetic location: 2p11.2.
Variant type: Microsatellite.
Coding change: c.-44AGCCG[3] on transcript NM_001371279.1 (MANE Select); three copies in a row of the 5-base unit AGCCG starting at c.-44; the reference has two copies in a row; one copy, 5 bases duplicated.
Molecular consequence: 5 prime UTR variant. On other transcripts: intron variant (1).
Genome position (GRCh38, 1-based): chr2:86,337,545-86,337,549, CGGCT duplicated on the plus strand (AGCCG on the coding strand, the reverse complement: REEP1 is on the minus strand); duplicating any 5 consecutive bases within chr2:86,337,545-86,337,554 gives the same sequence; the position shown is the placement nearest the transcript's 3' end. VCF-style (leftmost placement, unchanged base first): chr2-86337544-G-GCGGCT. GRCh37 (hg19) VCF-style: chr2-86564667-G-GCGGCT.
Other names: c.-52AGCCG[3] (NM_001164731.2); c.-44AGCCG[3] (NM_001164732.2, NM_001371280.1, NM_022912.3); c.53+470AGCCG[3] (NM_001164730.2); c.-39_-35dup (NM_022912.2).
Identifiers: ClinVar variation 337388 (VCV000337388.6), dbSNP rs544099237, ClinGen allele CA325231.
Genomic context (GRCh38, chr2:86,337,544, plus strand): 5'-CAGCCTGGAGATGATCCATGACACCATGGCGGGCAGGCGGGCGGGCGAGGCCCGGGCGGC[G>GCGGCT]CGGCTCGGCTAGGCTGCGGGCGGCGCGGGCTGCTGCGGCGTTCCCGGAACGTCAGTCAGC-3'